The following is an entry in ClinVar:

NM_024757.5(EHMT1):c.223G>C (p.Asp75His)

Gene: EHMT1 (euchromatic histone lysine methyltransferase 1; plus strand). Cytogenetic location: 9q34.3.
Variant type: single nucleotide variant.
Coding change: c.223G>C on transcript NM_024757.5 (MANE Select); coding-DNA position 223, G replaced by C.
Protein change: p.Asp75His; replaces aspartic acid 75 with histidine.
Molecular consequence: missense variant.
Genome position (GRCh38, 1-based): chr9:137,716,763, G>C. VCF-style: chr9-137716763-G-C. GRCh37 (hg19) VCF-style: chr9-140611215-G-C.
Other names: c.223G>C, p.Asp75His (NM_001145527.2, NM_001354263.2, NM_001354611.2); c.130G>C, p.Asp44His (NM_001354259.2, NM_001354612.2); short protein forms D44H, D75H.
Identifiers: ClinVar variation 1508890 (VCV001508890.32), dbSNP rs777679735, ClinGen allele CA5374224.
Genomic context (GRCh38, chr9:137,716,763, plus strand): 5'-AATGGGTCTTGTGAAAACAGCGATGCCAGCAGTCATGCAAATGCTGCAAAGCACACTCAG[G>C]ACAGCGCAAGGGTCAACCCCCAGGATGGCACCAACACACTAACTCGGATAGCGGAAAATG-3'
Protein context (NP_079033.4, residues 65-85): SHANAAKHTQ[Asp75His]SARVNPQDGT

ClinVar aggregate classification (germline): Benign/Likely benign. Review status: criteria provided, multiple submitters, no conflicts (2 of 4 stars). 2 submissions from 2 submitters: Benign (1); Likely benign (1). Last evaluated 2025-03-29.

Conditions:
Kleefstra syndrome 1 (KLEFS1). Identifiers: Orphanet 261494, MedGen C0795833, MONDO:0027407, OMIM 610253.

Allele frequency attached by ClinVar (database versions not stated): ExAC 0.00001; gnomAD 0.00001; gnomAD exomes 0.00002; TOPMed 0.00002.
gnomAD v4.1: 31 of 1,612,890 alleles (0.0019%); highest among the groups gnomAD compares: Non-Finnish European, 0.0025%; no homozygotes.

Submissions (2):

Labcorp Genetics (formerly Invitae), Labcorp
Classification: Benign for Kleefstra syndrome 1. Last evaluated: 2025-03-29. Review status: criteria provided, single submitter. Criteria: Invitae Variant Classification Sherloc (09022015). Collection method: clinical testing. Allele origin: germline.

CeGaT Center for Human Genetics Tuebingen
Classification: Likely benign. Last evaluated: 2023-12-01. Review status: criteria provided, single submitter. Criteria: CeGaT Center For Human Genetics Tuebingen Variant Classification Criteria Version 2. Collection method: clinical testing. Allele origin: germline. Affected: yes. Observed: 1 variant allele.
Comment: EHMT1: BP4